The following is an entry in ClinVar:

ClinVar aggregate classification (germline): Likely benign (1 of 4 stars; one submission).

Conditions:
CHKB-related disorder. Also called: CHKB-related condition.

gnomAD v4.1: 6 of 1,545,924 alleles (0.00039%); highest among the groups gnomAD compares: Non-Finnish European, 0.00052%; no homozygotes.

Submission:

PreventionGenetics, part of Exact Sciences
Classification: Likely benign for CHKB-related condition. Last evaluated: 2025-02-07. Review status: criteria provided, single submitter. Criteria: ACMG Guidelines, 2015. Collection method: clinical testing. Allele origin: germline.
Comment: This variant is classified as likely benign based on ACMG/AMP sequence variant interpretation guidelines (Richards et al. 2015 PMID: 25741868, with internal and published modifications).

NM_005198.5(CHKB):c.225-9G>C

Genes: CHKB (choline kinase beta; minus strand), CHKB-CPT1B (CHKB-CPT1B readthrough (NMD candidate); minus strand), LOC130067882 (ATAC-STARR-seq lymphoblastoid silent region 14000; plus strand). Cytogenetic location: 22q13.33.
Variant type: single nucleotide variant.
Coding change: c.225-9G>C on transcript NM_005198.5 (MANE Select); 9 bases into the intron before coding-DNA position 225, G replaced by C.
Molecular consequence: intron variant.
Genome position (GRCh38, 1-based): chr22:50,582,366, C>G on the plus strand (G>C on the coding strand, the complement: CHKB is on the minus strand). VCF-style: chr22-50582366-C-G. GRCh37 (hg19) VCF-style: chr22-51020795-C-G.
Identifiers: ClinVar variation 4999349 (VCV004999349.1).